The following is an entry in ClinVar:

ClinVar aggregate classification (germline): Pathogenic. Review status: reviewed by expert panel (3 of 4 stars). 7 submissions from 7 submitters: Pathogenic (1). 6 of the submissions do not count toward it. Last evaluated 2024-04-01.

Conditions:
Recombinase activating gene 2 deficiency. Also called: RAG2 deficiency. Identifiers: MedGen CN257931, MONDO:0000573.
Combined immunodeficiency with skin granulomas. Identifiers: Orphanet 157949, MedGen C2673536, MONDO:0009306, OMIM 233650.
Severe combined immunodeficiency, autosomal recessive, T cell-negative, B cell-negative, NK cell-positive. Also called: Severe combined immunodeficiency due to complete RAG1/2 deficiency; SCID, T CELL-NEGATIVE, B CELL-NEGATIVE, NK CELL-POSITIVE; SCID, AR, T-cell negative, B-cell negative, NK cell-positive. Identifiers: Orphanet 331206, MedGen C1832322, MONDO:0011086, OMIM 601457.
Histiocytic medullary reticulosis. Also called: SEVERE COMBINED IMMUNODEFICIENCY WITH HYPEREOSINOPHILIA; Omenn syndrome. Identifiers: Orphanet 39041, MedGen C2700553, MONDO:0011338, OMIM 603554.
Inborn error of immunity. Also called: Inborn errors of immunity; Primary immunodeficiency. Identifiers: Orphanet 101997, MedGen C0398686, MONDO:0003778.

Allele frequency attached by ClinVar (database versions not stated): gnomAD exomes below 0.00001 and 0.00001; ExAC 0.00001; gnomAD 0.00001; TOPMed 0.00002.
gnomAD v4.1: 14 of 1,613,848 alleles (0.00087%); highest among the groups gnomAD compares: South Asian, 0.0022%; no homozygotes.

Submissions (7):

ClinGen Severe Combined Immunodeficiency Variant Curation Expert Panel, ClinGen
Classification: Pathogenic for Recombinase activating gene 2 deficiency. Last evaluated: 2024-04-01. Review status: reviewed by expert panel. Criteria: ClinGen SCID ACMG Specifications RAG2 V1.0.0. Collection method: curation. Allele origin: germline. Inheritance: Autosomal recessive inheritance.
Comment: The c.685C>T (NM_000536.4) variant in RAG2 is a missense variant predicted to cause the substitution of Arginine by Tryptophan at amino acid 229 (p.Arg229Trp). The filtering allele frequency (the upper threshold of the 95% CI of (11/1180024 alleles) is 0.000005000 in gnomad v4 for the European (non-Finnish) population, which is lower than the ClinGen SCID VCEP threshold (<0.0000588) for PM2_Supporting, meeting this criterion (PM2_Supporting). No homozygous has been described. This variant is located in the core domain, amino acids 1-383 of RAG2, which is defined as a critical functional domain by the ClinGen SCID VCEP (PMID: 26996199); PM1_Supporting. The recombination activity assay showed activity of this variant compared to wildtype RAG2 is 10.5% (SEM 0.5), which is lower than the SCID VCEP threshold (<25%) for PS3_Moderate, meeting this criterion (PS3_Moderate, PMID 29772310). The variant has been reported to segregate in two affected family members (Proband + 1) (PP1); (Proband 30a and 30b, PMID: 11133745). At least 9 probands were reported in the literature carrying this variant. 8 of them were homozygous, reaching the maximum of 1 point for homozygous occurrence. Also, 1 proband is compound heterozygous for paternal Arg229Trp and maternal Gly95Arg, which is likely pathogenic according to SCID VCEP specifications, as phase is confirmed; 1 point—a total of 2 points, PM3_Strong. Proband 24 presents: *Diagnostic criteria for SCID/Leaky SCID/Omenn syndrome met 0.5pts + *T-B-NK+ lymphocyte subset profile 0.5pts; total 1pt, PP4 is met (PMID: 11133745). In summary, this variant meets the criteria to be classified as Pathogenic for autosomal recessive recombinase activating gene 2 deficiency based on the ACMG/AMP criteria applied, as specified by the ClinGen SCID VCEP. Criteria applied: PM2_Supporting, PM1_Supporting, PS3_Moderate, PP1, PM3_Strong, and PP4 (VCEP specifications version 1.0).

Labcorp Genetics (formerly Invitae), Labcorp
Classification: Pathogenic for Combined immunodeficiency with skin granulomas; Severe combined immunodeficiency, autosomal recessive, T cell-negative, B cell-negative, NK cell-positive. Last evaluated: 2026-02-02. Review status: criteria provided, single submitter. Criteria: Invitae Variant Classification Sherloc (09022015). Collection method: clinical testing. Allele origin: germline. Not counted in ClinVar's aggregate classification.
Comment: This sequence change replaces arginine, which is basic and polar, with tryptophan, which is neutral and slightly polar, at codon 229 of the RAG2 protein (p.Arg229Trp). This variant is present in population databases (rs765298019, gnomAD 0.002%). This missense change has been observed in individuals with RAG2-related disease (PMID: 11133745, 15025726, 16960852, 28747913). ClinVar contains an entry for this variant (Variation ID: 496624). Invitae Evidence Modeling of protein sequence and biophysical properties (such as structural, functional, and spatial information, amino acid conservation, physicochemical variation, residue mobility, and thermodynamic stability) has been performed for this missense variant. However, the output from this modeling did not meet the statistical confidence thresholds required to predict the impact of this variant on RAG2 protein function. This variant disrupts the p.Arg229 amino acid residue in RAG2. Other variant(s) that disrupt this residue have been determined to be pathogenic (PMID: 11133745, 24144642, 26915675). This suggests that this residue is clinically significant, and that variants that disrupt this residue are likely to be disease-causing. For these reasons, this variant has been classified as Pathogenic.

Natera, Inc.
Classification: Pathogenic for Omenn syndrome. Last evaluated: 2025-05-22. Review status: criteria provided, single submitter. Criteria: Natera Variant Classification Schema (03/2026). Collection method: clinical testing. Allele origin: germline. Not counted in ClinVar's aggregate classification.
Comment: The c.685C>T variant in RAG2 is a missense variant predicted to cause substitution of arginine to tryptophan at amino acid 229. This variant is rare in the general population with a frequency below the threshold expected for the associated phenotype(s). This variant has been observed in one or more individuals affected with the associated recessive disease, as either homozygous or compound heterozygous with a second variant (PMID: 15025726). Computational prediction algorithms indicate this variant is likely to affect gene or protein function. Given the available evidence, this variant is classified as Pathogenic.

Revvity Omics, Revvity
Classification: Pathogenic. Last evaluated: 2025-05-21. Review status: criteria provided, single submitter. Criteria: ACMG Guidelines, 2015. Collection method: clinical testing. Allele origin: germline. Not counted in ClinVar's aggregate classification.

Laboratory of Hereditary Immune Disorders, Research Centre for Medical Genetics
Classification: Pathogenic for Severe combined immunodeficiency, autosomal recessive, T cell-negative, B cell-negative, NK cell-positive. Last evaluated: 2023-12-02. Review status: criteria provided, single submitter. Criteria: ACMG Guidelines, 2015. Collection method: clinical testing. Allele origin: biparental. Inheritance: Autosomal recessive inheritance. Affected: yes. Observed: 1 homozygote. Not counted in ClinVar's aggregate classification.
Comment: This variant has been previously reported in the literature multiple times (PMIDs: 11133745, 15025726, 21625022, 34664192) and is listed in gnomAD v2.1.1 once in heterozygous individuals. The affected amino acid position is evolutionarily conserved, and multiple in silico prediction tools support a deleterious effect. Furthermore, functional studies have demonstrated a damaging impact on recombination activity (PMID: 29772310). Taken together, the variant meets the following ACMG/AMP criteria and can be classified as pathogenic with PM2, PP3, PS1, PS3, PP5, PP4 criteria.

Baylor Genetics
Classification: Pathogenic for Combined immunodeficiency with skin granulomas. Last evaluated: 2023-04-18. Review status: criteria provided, single submitter. Criteria: ACMG Guidelines, 2015. Collection method: clinical testing. Allele origin: unknown. Not counted in ClinVar's aggregate classification.

Pediatric Immunology Service, The Chaim Sheba Medical Center at Tel HaShomer
Classification: Uncertain significance for RAG2 deficiency; Primary immunodeficiency; Omenn syndrome; Severe combined immunodeficiency due to complete RAG1/2 deficiency. Last evaluated: 2018-03-06. Review status: criteria provided, single submitter. Criteria: ACMG Guidelines, 2015. Collection method: research. Allele origin: germline. Affected: yes. Not counted in ClinVar's aggregate classification.

Literature cited by the submitters: PubMed 11133745 (cited by Labcorp Genetics (formerly Invitae), Labcorp and Pediatric Immunology Service, The Chaim Sheba Medical Center at Tel HaShomer); PubMed 15025726 (cited by 3 submitters); PubMed 16960852 (cited by Labcorp Genetics (formerly Invitae), Labcorp and Pediatric Immunology Service, The Chaim Sheba Medical Center at Tel HaShomer); PubMed 28747913 (cited by Labcorp Genetics (formerly Invitae), Labcorp); PubMed 24144642 (cited by Labcorp Genetics (formerly Invitae), Labcorp); PubMed 26915675 (cited by Labcorp Genetics (formerly Invitae), Labcorp); PubMed 38578360 (cited by Laboratory of Hereditary Immune Disorders, Research Centre for Medical Genetics); PubMed 21625022 (cited by Pediatric Immunology Service, The Chaim Sheba Medical Center at Tel HaShomer).

NM_000536.4(RAG2):c.685C>T (p.Arg229Trp)

Gene: RAG2 (recombination activating 2; minus strand). Cytogenetic location: 11p12.
Variant type: single nucleotide variant.
Coding change: c.685C>T on transcript NM_000536.4 (MANE Select); coding-DNA position 685, C replaced by T.
Protein change: p.Arg229Trp; replaces arginine 229 with tryptophan.
Molecular consequence: missense variant.
Genome position (GRCh38, 1-based): chr11:36,593,484, G>A on the plus strand (C>T on the coding strand, the complement: RAG2 is on the minus strand). VCF-style: chr11-36593484-G-A. GRCh37 (hg19) VCF-style: chr11-36615034-G-A.
Other names: NM_000536.4(RAG2):c.685C>T; p.Arg229Trp; c.685C>T, p.Arg229Trp (NM_001243785.2, NM_001243786.2); short protein forms R229W.
Identifiers: ClinVar variation 496624 (VCV000496624.17), dbSNP rs765298019, ClinGen allele CA5950542.
Genomic context (GRCh38, chr11:36,593,484, plus strand): 5'-AATTCACAGCTGGGCTACCCAGGGGAAGATCAACCCTTATTCTGTACAGGTTGGCAGGCC[G>A]GATATTATTGGCAAGTGAATGTCCTCCTAAAATATAGATGGTGTCATTTTTGGCAATAGA-3'
Protein context (NP_000527.2, residues 219-239): LGGHSLANNI[Arg229Trp]PANLYRIRVD